The following is an entry in ClinVar:

NM_003002.4(SDHD):c.53-5C>T

Gene: SDHD (succinate dehydrogenase complex subunit D; plus strand). Cytogenetic location: 11q23.1.
Variant type: single nucleotide variant.
Coding change: c.53-5C>T on transcript NM_003002.4 (MANE Select); 5 bases into the intron before coding-DNA position 53, C replaced by T.
Molecular consequence: intron variant.
Genome position (GRCh38, 1-based): chr11:112,087,852, C>T. VCF-style: chr11-112087852-C-T. GRCh37 (hg19) VCF-style: chr11-111958576-C-T.
Other names: c.53-5C>T (NM_001276506.2, NM_001276503.2); c.52+893C>T (NM_001276504.2).
Identifiers: ClinVar variation 1095755 (VCV001095755.8), dbSNP rs913670110, ClinGen allele CA2499220751.
Genomic context (GRCh38, chr11:112,087,852, plus strand): 5'-TAGAAAGTTTGTCAGTCCTGTTAAAGGAGAGGTTCTTATGATCATCCTAATGACTCTTTC[C>T]TCAGCTCTGTTGCTTCGAACTCCAGTGGTCAGACCTGCTCATATCTCAGCATTTCTTCAG-3'

ClinVar aggregate classification (germline): Likely benign. Review status: criteria provided, multiple submitters, no conflicts (2 of 4 stars). 2 submissions from 2 submitters: Likely benign (2). Last evaluated 2025-03-17.

Conditions:
Pheochromocytoma/paraganglioma syndrome 1. Also called: Glomus tumors familial 1; Paraganglioma - glomus jugulare; SDHD-Related Hereditary Paraganglioma-Pheochromocytoma Syndrome; PARAGANGLIOMATA; PARAGANGLIOMAS, FAMILIAL NONCHROMAFFIN, 1; PGL 1. Identifiers: Orphanet 29072, MedGen C3494181, MONDO:0008192, OMIM 168000.
Carney-Stratakis syndrome. Also called: PARAGANGLIOMA AND GASTROINTESTINAL STROMAL TUMOR. Identifiers: Orphanet 97286, MedGen C1847319, MONDO:0011740, OMIM 606864.
Pheochromocytoma. Also called: MAX-Related Hereditary Paraganglioma-Pheochromocytoma Syndrome. Identifiers: Orphanet 29072, MedGen C0031511, MONDO:0008233, OMIM 171300, HP:0002666.
Paragangliomas with sensorineural hearing loss. Identifiers: MedGen C1868633.
Cowden syndrome 3 (CWS3). Identifiers: Orphanet 201, MedGen CN166604, MONDO:0014045.

Submissions (2):

Myriad Genetics, Inc.
Classification: Likely benign for Pheochromocytoma/paraganglioma syndrome 1. Last evaluated: 2025-03-17. Review status: criteria provided, single submitter. Criteria: Myriad Autosomal Dominant, Autosomal Recessive and X-Linked Classification Criteria (2023). Collection method: clinical testing. Allele origin: unknown.
Comment: This variant is considered likely benign. This variant is intronic and is not expected to impact mRNA splicing.

Labcorp Genetics (formerly Invitae), Labcorp
Classification: Likely benign for Carney-Stratakis syndrome; Paragangliomas with sensorineural hearing loss; Pheochromocytoma; Cowden syndrome 3. Last evaluated: 2025-03-09. Review status: criteria provided, single submitter. Criteria: Invitae Variant Classification Sherloc (09022015). Collection method: clinical testing. Allele origin: germline.